The following is an entry in ClinVar:

NM_000587.4(C7):c.303G>C (p.Leu101Phe)

Gene: C7 (complement C7; plus strand). Cytogenetic location: 5p13.1.
Variant type: single nucleotide variant.
Coding change: c.303G>C on transcript NM_000587.4 (MANE Select); coding-DNA position 303, G replaced by C.
Protein change: p.Leu101Phe; replaces leucine 101 with phenylalanine.
Molecular consequence: missense variant.
Genome position (GRCh38, 1-based): chr5:40,936,360, G>C. VCF-style: chr5-40936360-G-C. GRCh37 (hg19) VCF-style: chr5-40936462-G-C.
Other names: c.303G>C (NM_000587.3); short protein forms L101F.
Identifiers: ClinVar variation 1921321 (VCV001921321.6), dbSNP rs749616756, ClinGen allele CA359590040.

ClinVar aggregate classification (germline): Uncertain significance. Review status: criteria provided, multiple submitters, no conflicts (2 of 4 stars). 2 submissions from 2 submitters: Uncertain significance (2). Last evaluated 2024-11-27.

Conditions:
C7-related disorder. Also called: C7-related condition.

Submissions (2):

PreventionGenetics, part of Exact Sciences
Classification: Uncertain significance for C7-related condition. Last evaluated: 2024-11-27. Review status: criteria provided, single submitter. Criteria: ACMG Guidelines, 2015. Collection method: clinical testing. Allele origin: germline.
Comment: The C7 c.303G>C variant is predicted to result in the amino acid substitution p.Leu101Phe. To our knowledge, this variant has not been reported in the literature. This variant is reported in 0.00089% of alleles in individuals of European (Non-Finnish) descent in gnomAD. At this time, the clinical significance of this variant is uncertain due to the absence of conclusive functional and genetic evidence.

Labcorp Genetics (formerly Invitae), Labcorp
Classification: Uncertain significance. Last evaluated: 2023-01-09. Review status: criteria provided, single submitter. Criteria: Invitae Variant Classification Sherloc (09022015). Collection method: clinical testing. Allele origin: germline.
Comment: This variant has not been reported in the literature in individuals affected with C7-related conditions. Advanced modeling of protein sequence and biophysical properties (such as structural, functional, and spatial information, amino acid conservation, physicochemical variation, residue mobility, and thermodynamic stability) performed at Invitae indicates that this missense variant is expected to disrupt C7 protein function. In summary, the available evidence is currently insufficient to determine the role of this variant in disease. Therefore, it has been classified as a Variant of Uncertain Significance. This sequence change replaces leucine, which is neutral and non-polar, with phenylalanine, which is neutral and non-polar, at codon 101 of the C7 protein (p.Leu101Phe). This variant is present in population databases (no rsID available, gnomAD 0.0009%).